The following is an entry in ClinVar:

NM_001040142.2(SCN2A):c.3988C>T (p.Leu1330Phe)

Gene: SCN2A (sodium voltage-gated channel alpha subunit 2; plus strand). Cytogenetic location: 2q24.3.
Variant type: single nucleotide variant.
Coding change: c.3988C>T on transcript NM_001040142.2 (MANE Select); coding-DNA position 3988, C replaced by T.
Protein change: p.Leu1330Phe; replaces leucine 1330 with phenylalanine.
Molecular consequence: missense variant.
Genome position (GRCh38, 1-based): chr2:165,374,700, C>T. VCF-style: chr2-165374700-C-T. GRCh37 (hg19) VCF-style: chr2-166231210-C-T.
Other names: c.3988C>T, p.Leu1330Phe (NM_001040143.2, NM_001371246.1, NM_001371247.1 and 1 more transcripts); short protein forms L1330F.
Identifiers: ClinVar variation 12876 (VCV000012876.10), dbSNP rs121917749, ClinGen allele CA122768.

ClinVar aggregate classification (germline): Pathogenic. Review status: criteria provided, single submitter (1 of 4 stars). 2 submissions from 2 submitters: Pathogenic (1). 1 of the submissions does not count toward it. Last evaluated 2024-04-29.

Conditions:
Developmental and epileptic encephalopathy, 11 (DEE11). Also called: Early infantile epileptic encephalopathy 11. Identifiers: Orphanet 1934, MedGen C3150987, MONDO:0013388, OMIM 613721.
Seizures, benign familial infantile, 3 (BFIS3). Also called: CONVULSIONS, BENIGN FAMILIAL INFANTILE, 3; Familial neonatal seizures. Identifiers: Orphanet 140927, Orphanet 306, MedGen C1843140, MONDO:0011904, OMIM 607745.

Submissions (3):

Labcorp Genetics (formerly Invitae), Labcorp
Classification: Pathogenic for Seizures, benign familial infantile, 3; Developmental and epileptic encephalopathy, 11. Last evaluated: 2024-04-29. Review status: criteria provided, single submitter. Criteria: Invitae Variant Classification Sherloc (09022015). Collection method: clinical testing. Allele origin: germline.
Comment: This sequence change replaces leucine, which is neutral and non-polar, with phenylalanine, which is neutral and non-polar, at codon 1330 of the SCN2A protein (p.Leu1330Phe). This variant is not present in population databases (gnomAD no frequency). This missense change has been observed in individual(s) with benign familial neonatal-infantile seizures (PMID: 12243921). It has also been observed to segregate with disease in related individuals. ClinVar contains an entry for this variant (Variation ID: 12876). Advanced modeling of protein sequence and biophysical properties (such as structural, functional, and spatial information, amino acid conservation, physicochemical variation, residue mobility, and thermodynamic stability) performed at Invitae indicates that this missense variant is expected to disrupt SCN2A protein function with a positive predictive value of 95%. Experimental studies have shown that this missense change affects SCN2A function (PMID: 17021166, 18479388). For these reasons, this variant has been classified as Pathogenic.

OMIM
Classification: Pathogenic for SEIZURES, BENIGN FAMILIAL INFANTILE, 3. Last evaluated: 2002-09-14. Review status: no assertion criteria provided. Collection method: literature only. Allele origin: germline. Not counted in ClinVar's aggregate classification.

Channelopathy-Associated Epilepsy Research Center
No classification provided (evidence only). Condition: Complex neurodevelopmental disorder. Review status: no classification provided. Collection method: literature only. Allele origin: not applicable. Functional consequence: Mild depolarizing shift of voltage dependence of fast inactivation, Decrease in slope of fast inactivation, Normal voltage dependence of activation, Normal slope of activation, Normal voltage dependence of fast inactivation, Normal peak current, Normal rate of recovery from fast inactivation, Normal persistent current, Overall gain-of-function. Not counted in ClinVar's aggregate classification.
ClinVar note: "not provided" was previously submitted as the classification for the variant. However, the classification appeared to be based only on an observation of functional data so it was converted to no classification on 2025-07-30.

Literature cited by the submitters: PubMed 12243921 (cited by Labcorp Genetics (formerly Invitae), Labcorp and OMIM); PubMed 17021166 (cited by Labcorp Genetics (formerly Invitae), Labcorp and Channelopathy-Associated Epilepsy Research Center); PubMed 18479388 (cited by Labcorp Genetics (formerly Invitae), Labcorp).